The following is an entry in ClinVar:

NM_001267550.2(TTN):c.23660-14A>G

Gene: TTN (titin; minus strand). Cytogenetic location: 2q31.2.
Variant type: single nucleotide variant.
Coding change: c.23660-14A>G on transcript NM_001267550.2 (MANE Select); 14 bases into the intron before coding-DNA position 23660, A replaced by G.
Molecular consequence: intron variant.
Genome position (GRCh38, 1-based): chr2:178,719,846, T>C on the plus strand (A>G on the coding strand, the complement: TTN is on the minus strand). VCF-style: chr2-178719846-T-C. GRCh37 (hg19) VCF-style: chr2-179584573-T-C.
Other names: c.13282+18236A>G (NM_003319.4); c.13858+18236A>G (NM_133437.4); c.13657+18236A>G (NM_133432.3); c.19928-14A>G (NM_133378.4); c.22709-14A>G (NM_001256850.1).
Identifiers: ClinVar variation 929219 (VCV000929219.1), dbSNP rs2078064430, ClinGen allele CA1139657508.

ClinVar aggregate classification (germline): Uncertain significance (1 of 4 stars; one submission).

Submission:

Women's Health and Genetics/Laboratory Corporation of America, LabCorp
Classification: Uncertain significance. Last evaluated: 2019-09-23. Review status: criteria provided, single submitter. Criteria: LabCorp Variant Classification Summary - May 2015. Collection method: clinical testing. Allele origin: germline.
Comment: Variant summary: TTN c.19928-14A>G alters a non-conserved nucleotide located close to a canonical splice site and therefore could affect mRNA splicing, leading to a significantly altered protein sequence. 5/5 computational tools predict no significant impact on normal splicing. However, these predictions have yet to be confirmed by functional studies. The variant was absent in 231862 control chromosomes (gnomAD). The available data on variant occurrences in the general population are insufficient to allow any conclusion about variant significance. To our knowledge, no occurrence of c.19928-14A>G in individuals affected with Cardiomyopathy and no experimental evidence demonstrating its impact on protein function have been reported. No clinical diagnostic laboratories have submitted clinical-significance assessments for this variant to ClinVar after 2014. Based on the evidence outlined above, the variant was classified as uncertain significance.